The following is an entry in ClinVar:

NM_014208.3(DSPP):c.2525del (p.Ser842fs)

Genes: DMP1-AS1 (DMP1 and DSPP antisense RNA 1; minus strand), DSPP (dentin sialophosphoprotein; plus strand). Cytogenetic location: 4q22.1.
Variant type: Deletion.
Coding change: c.2525del on transcript NM_014208.3 (MANE Select); coding-DNA position 2525, one base deleted (G; older notation c.2525delG).
Protein change: p.Ser842fs; shifts the reading frame from serine 842.
Molecular consequence: frameshift variant.
Genome position (GRCh38, 1-based): chr4:87,615,187, G deleted. VCF-style (leftmost placement, unchanged base first): chr4-87615186-AG-A. GRCh37 (hg19) VCF-style: chr4-88536338-AG-A.
Other names: c.2525delG (NM_014208.3); short protein forms S842fs.
Identifiers: ClinVar variation 817628 (VCV000817628.7), dbSNP rs1395922945, ClinGen allele CA553085394.
Genomic context (GRCh38, chr4:87,615,186, plus strand): 5'-AATAGCAGTGACAGCAGTAATAGTAGTGACAGCAGCGATAGCAGCAACAGCAGTGATAGC[AG>A]CGACAGCAGCGATAGCAGTGACGGCAGTGATAGCGACAGCAGCAATAGAAGTGACAGTAG-3'

ClinVar aggregate classification (germline): Pathogenic/Likely pathogenic. Review status: criteria provided, multiple submitters, no conflicts (2 of 4 stars). 5 submissions from 5 submitters: Pathogenic (4); Likely pathogenic (1). Last evaluated 2025-09-03.

Conditions:
Dentinogenesis imperfecta type 3 (DGI-III). Also called: BRANDYWINE TYPE DENTINOGENESIS IMPERFECTA; Dentinogenesis imperfecta - Shield's type III. Identifiers: Orphanet 166265, MedGen C0399378, MONDO:0007442, OMIM 125500. Disease mechanism: loss of function.
Pulp calcification. Also called: Dental Pulp Stone; Pulp stones. Identifiers: Orphanet 1653, MedGen C1527284, HP:0003771. Disease mechanism: loss of function.
Deafness, autosomal dominant 39, with dentinogenesis imperfecta 1. Also called: DFNA39/DENTINOGENESIS IMPERFECTA 1 SYNDROME; DFNA39/DGI1 SYNDROME; DGI1/DFNA39 SYNDROME. Identifiers: Orphanet 166260, MedGen C1854146, MONDO:0011571, OMIM 605594.
Dentinogenesis imperfecta type 2 (DGI1). Also called: CAPDEPONT TEETH; Hereditary Opalescent Dentin; Dentinogenesis imperfecta - Shield's type II; Dentinogenesis imperfecta without osteogenesis imperfecta; OPALESCENT DENTIN; OPALESCENT TEETH WITHOUT OSTEOGENESIS IMPERFECTA. Identifiers: Orphanet 166260, MedGen C2973527, MONDO:0007441, OMIM 125490. Disease mechanism: loss of function.
DSPP-related disorders.
DSPP-related disorder. Also called: DSPP-related condition.
Inborn genetic diseases. Identifiers: MedGen C0950123, MeSH D030342.

Allele frequency attached by ClinVar (database versions not stated): gnomAD exomes below 0.00001; TOPMed 0.00001; gnomAD 0.00002.

Submissions (5):

Reference Center For Rare Oral And Dental Diseases, CRMR O-Rares, Hôpitaux Universitaires De Strasbourg
Classification: Pathogenic for Dentinogenesis imperfecta type 2. Last evaluated: 2025-09-03. Review status: criteria provided, single submitter. Criteria: ACMG Guidelines, 2015. Collection method: clinical testing. Allele origin: inherited. Inheritance: Autosomal dominant inheritance. Affected: yes. Observed: 6 variant alleles.
Comment: PVS1, PP5, PM2, PS4 (5)

Ambry Genetics
Classification: Pathogenic for Inborn genetic diseases. Last evaluated: 2025-06-17. Review status: criteria provided, single submitter. Criteria: Ambry Variant Classification Scheme 2023. Collection method: clinical testing. Allele origin: germline.
Comment: The c.2525delG (p.S842Tfs*472) alteration, located in exon 5 (coding exon 4) of the DSPP gene, consists of a deletion of one nucleotide at position 2525, causing a translational frameshift with a predicted alternate stop codon after 472 amino acids. This alteration occurs at the 3' terminus of the DSPP gene and is not expected to trigger nonsense-mediated mRNA decay. Based on data from gnomAD, this allele has an overall frequency of 0.003% (1/31232) total alleles studied. The highest observed frequency was 0.007% (1/15370) of European (non-Finnish) alleles. This variant was identified in one or more individuals with features consistent with DSPP-related dentin defects (McKnight, 2008; Simmer, 2022) and segregated with disease in at least one family (Simmer, 2022). This variant is located in a region of the protein where truncating variants that escape nonsense mediated mRNA decay have been reported as disease-causing for DSPP-related dentin defects (Simmer, 2022). Based on the available evidence, this alteration is classified as pathogenic.

Fulgent Genetics
Classification: Pathogenic for Dentin dysplasia type II; Dentinogenesis imperfecta type 2; Dentinogenesis imperfecta type 3; Deafness, autosomal dominant 39, with dentinogenesis imperfecta 1. Last evaluated: 2021-11-10. Review status: criteria provided, single submitter. Criteria: ACMG Guidelines, 2015. Collection method: clinical testing. Allele origin: unknown.

Blueprint Genetics
Classification: Pathogenic for DSPP-related disorders. Last evaluated: 2021-10-27. Review status: criteria provided, single submitter. Criteria: ACMG Guidelines, 2015. Collection method: clinical testing. Allele origin: germline. Affected: yes. Observed: 4 variant alleles.

GeneDx
Classification: Likely pathogenic. Last evaluated: 2019-05-10. Review status: criteria provided, single submitter. Criteria: GeneDx Variant Classification (06012015). Collection method: clinical testing. Allele origin: germline. Affected: yes.
Comment: The c.2525delG variant in the DSPP gene has been reported previously in four families with dentiogenesis imperfecta who all had the same haplotype, suggesting c.2525delG is a founder mutation in Northern European Caucasians (McKnight et al., 2008). The c.2525delG variant causes a frameshift starting with codon Serine 842, changes this amino acid to a Threonine residue, and creates a premature Stop codon at position 472 of the new reading frame, denoted p.Ser842ThrfsX472. This variant is predicted to cause loss of normal protein function through protein truncation, as the last 460 amino acids are lot and replaced with 471 incorrect amino acids. Although not observed as homozygous, the c.2525delG variant is observed in 1/14934 (0.0067%) alleles from individuals of non-Finnish European background in large population cohorts (Lek et al., 2016). We interpret c.2525delG as a likely pathogenic variant.

Literature cited by the submitters: PubMed 18521831 (cited by Reference Center For Rare Oral And Dental Diseases, CRMR O-Rares, Hôpitaux Universitaires De Strasbourg and Ambry Genetics); PubMed 35627243 (cited by Ambry Genetics).